The following is an entry in ClinVar:

NM_003482.4(KMT2D):c.8054G>A (p.Arg2685Gln)

Gene: KMT2D (lysine methyltransferase 2D; minus strand). Cytogenetic location: 12q13.12.
Variant type: single nucleotide variant.
Coding change: c.8054G>A on transcript NM_003482.4 (MANE Select); coding-DNA position 8054, G replaced by A.
Protein change: p.Arg2685Gln; replaces arginine 2685 with glutamine.
Molecular consequence: missense variant.
Genome position (GRCh38, 1-based): chr12:49,039,610, C>T on the plus strand (G>A on the coding strand, the complement: KMT2D is on the minus strand). VCF-style: chr12-49039610-C-T. GRCh37 (hg19) VCF-style: chr12-49433393-C-T.
Other names: short protein forms R2685Q.
Identifiers: ClinVar variation 4765525 (VCV004765525.1).

ClinVar aggregate classification (germline): Uncertain significance (1 of 4 stars; one submission).

Conditions:
Kabuki syndrome. Also called: Kabuki make-up syndrome; NIIKAWA-KUROKI SYNDROME. Identifiers: Orphanet 2322, MedGen C0796004, MONDO:0016512.

gnomAD v4.1: 3 of 1,608,050 alleles (0.00019%); highest among the groups gnomAD compares: Non-Finnish European, 0.00025%; no homozygotes.

Submission:

Labcorp Genetics (formerly Invitae), Labcorp
Classification: Uncertain significance for Kabuki syndrome. Last evaluated: 2026-01-02. Review status: criteria provided, single submitter. Criteria: Invitae Variant Classification Sherloc (09022015). Collection method: clinical testing. Allele origin: germline.
Comment: This sequence change replaces arginine, which is basic and polar, with glutamine, which is neutral and polar, at codon 2685 of the KMT2D protein (p.Arg2685Gln). This variant is not present in population databases (gnomAD no frequency). This variant has not been reported in the literature in individuals affected with KMT2D-related conditions. Invitae Evidence Modeling of protein sequence and biophysical properties (such as structural, functional, and spatial information, amino acid conservation, physicochemical variation, residue mobility, and thermodynamic stability) indicates that this missense variant is not expected to disrupt KMT2D protein function with a negative predictive value of 95%. In summary, the available evidence is currently insufficient to determine the role of this variant in disease. Therefore, it has been classified as a Variant of Uncertain Significance.